The following is an entry in ClinVar:

ClinVar aggregate classification (germline): Benign/Likely benign. Review status: criteria provided, multiple submitters, no conflicts (2 of 4 stars). 3 submissions from 3 submitters: Benign (1); Likely benign (2). Last evaluated 2025-12-23.

Conditions:
Inborn genetic diseases. Identifiers: MedGen C0950123, MeSH D030342.

Allele frequency attached by ClinVar (database versions not stated): gnomAD 0.00002; ExAC 0.00004; gnomAD exomes 0.00004 and 0.00006; TOPMed 0.00005.
gnomAD v4.1: 58 of 1,612,020 alleles (0.0036%); highest among the groups gnomAD compares: Admixed American, 0.03%; no homozygotes.

Submissions (3):

Labcorp Genetics (formerly Invitae), Labcorp
Classification: Benign. Last evaluated: 2025-12-23. Review status: criteria provided, single submitter. Criteria: Invitae Variant Classification Sherloc (09022015). Collection method: clinical testing. Allele origin: germline.

CeGaT Center for Human Genetics Tuebingen
Classification: Likely benign. Last evaluated: 2023-05-01. Review status: criteria provided, single submitter. Criteria: CeGaT Center For Human Genetics Tuebingen Variant Classification Criteria Version 2. Collection method: clinical testing. Allele origin: germline. Affected: yes. Observed: 1 variant allele.
Comment: KMT2C: BS1

Ambry Genetics
Classification: Likely benign for Inborn genetic diseases. Last evaluated: 2022-01-28. Review status: criteria provided, single submitter. Criteria: Ambry Variant Classification Scheme 2023. Collection method: clinical testing. Allele origin: germline.

NM_170606.3(KMT2C):c.1223C>T (p.Thr408Met)

Gene: KMT2C (lysine methyltransferase 2C; minus strand). Cytogenetic location: 7q36.1.
Variant type: single nucleotide variant.
Coding change: c.1223C>T on transcript NM_170606.3 (MANE Select); coding-DNA position 1223, C replaced by T.
Protein change: p.Thr408Met; replaces threonine 408 with methionine.
Molecular consequence: missense variant.
Genome position (GRCh38, 1-based): chr7:152,263,092, G>A on the plus strand (C>T on the coding strand, the complement: KMT2C is on the minus strand). VCF-style: chr7-152263092-G-A. GRCh37 (hg19) VCF-style: chr7-151960177-G-A.
Other names: c.1223C>T (NM_170606.2); short protein forms T408M.
Identifiers: ClinVar variation 1474196 (VCV001474196.34), dbSNP rs773970643, ClinGen allele CA4581546.